The following is an entry in ClinVar:

NM_001378454.1(ALMS1):c.1258G>A (p.Glu420Lys)

Gene: ALMS1 (ALMS1 centrosome and basal body associated protein; plus strand). Cytogenetic location: 2p13.1.
Variant type: single nucleotide variant.
Coding change: c.1258G>A on transcript NM_001378454.1 (MANE Select); coding-DNA position 1258, G replaced by A.
Protein change: p.Glu420Lys; replaces glutamic acid 420 with lysine.
Molecular consequence: missense variant.
Genome position (GRCh38, 1-based): chr2:73,426,473, G>A. VCF-style: chr2-73426473-G-A. GRCh37 (hg19) VCF-style: chr2-73653601-G-A.
Other names: c.1261G>A, p.Glu421Lys (NM_015120.4); short protein forms E420K, E421K.
Identifiers: ClinVar variation 3361776 (VCV003361776.1).

ClinVar aggregate classification (germline): Uncertain significance (1 of 4 stars; one submission).

gnomAD v4.1: 2 of 1,614,116 alleles (0.00012%); highest among the groups gnomAD compares: East Asian, 0.0045%; no homozygotes.

Submission:

GeneDx
Classification: Uncertain significance. Last evaluated: 2023-08-02. Review status: criteria provided, single submitter. Criteria: GeneDx Variant Classification Process June 2021. Collection method: clinical testing. Allele origin: germline. Affected: yes.
Comment: Not observed at significant frequency in large population cohorts (gnomAD); In silico analysis supports that this missense variant does not alter protein structure/function; Has not been previously published as pathogenic or benign to our knowledge